The following is an entry in ClinVar:

ClinVar aggregate classification (germline): Uncertain significance (1 of 4 stars; one submission).

gnomAD v4.1: 5 of 1,612,834 alleles (0.00031%); highest among the groups gnomAD compares: Admixed American, 0.0083%; no homozygotes.

Submission:

Women's Health and Genetics/Laboratory Corporation of America, LabCorp
Classification: Uncertain significance. Last evaluated: 2025-06-06. Review status: criteria provided, single submitter. Criteria: LabCorp Variant Classification Summary - May 2015. Collection method: clinical testing. Allele origin: germline.
Comment: Variant summary: NSD1 c.7447A>C (p.Met2483Leu) results in a conservative amino acid change in the encoded protein sequence. Algorithms developed to predict the effect of missense changes on protein structure and function all suggest that this variant is likely to be tolerated. The variant allele was found at a frequency of 1.2e-05 in 249926 control chromosomes (gnomAD). The available data on variant occurrences in the general population are insufficient to allow any conclusion about variant significance. To our knowledge, no occurrence of c.7447A>C in individuals affected with Sotos Syndrome and no experimental evidence demonstrating its impact on protein function have been reported. No submitters have cited clinical-significance assessments for this variant to ClinVar. Based on the evidence outlined above, the variant was classified as uncertain significance.

NM_022455.5(NSD1):c.7447A>C (p.Met2483Leu)

Gene: NSD1 (nuclear receptor binding SET domain protein 1; plus strand). Cytogenetic location: 5q35.3.
Variant type: single nucleotide variant.
Coding change: c.7447A>C on transcript NM_022455.5 (MANE Select); coding-DNA position 7447, A replaced by C.
Protein change: p.Met2483Leu; replaces methionine 2483 with leucine.
Molecular consequence: missense variant.
Genome position (GRCh38, 1-based): chr5:177,294,815, A>C. VCF-style: chr5-177294815-A-C. GRCh37 (hg19) VCF-style: chr5-176721816-A-C.
Other names: c.6574A>C, p.Met2192Leu (NM_001365684.2, NM_001409308.1, NM_172349.5); c.7447A>C, p.Met2483Leu (NM_001409301.1, NM_001409302.1, NM_001409303.1); c.7027A>C, p.Met2343Leu (NM_001409304.1); c.6694A>C, p.Met2232Leu (NM_001409305.1); c.6685A>C, p.Met2229Leu (NM_001409306.1, NM_001409307.1); c.6325A>C, p.Met2109Leu (NM_001409309.1); short protein forms M2109L, M2192L, M2229L, M2232L, M2343L, M2483L.
Identifiers: ClinVar variation 3907328 (VCV003907328.1).